The following is an entry in ClinVar:

ClinVar aggregate classification (germline): Likely pathogenic (1 of 4 stars; one submission).

Submission:

CeGaT Center for Human Genetics Tuebingen
Classification: Likely pathogenic. Last evaluated: 2022-05-01. Review status: criteria provided, single submitter. Criteria: CeGaT Center For Human Genetics Tuebingen Variant Classification Criteria Version 2. Collection method: clinical testing. Allele origin: germline. Affected: yes. Observed: 2 variant alleles.
Comment: PDHA1: PM1, PM2, PVS1:Moderate

NM_000284.4(PDHA1):c.934_940dup (p.Ser314delinsLysTer)

Gene: PDHA1 (pyruvate dehydrogenase E1 subunit alpha 1; plus strand). Cytogenetic location: Xp22.12.
Variant type: Microsatellite.
Coding change: c.934_940dup on transcript NM_000284.4 (MANE Select); coding-DNA positions 934 to 940, 7 bases duplicated (AGTAAGA; older notation c.934_940dupAGTAAGA).
Protein change: p.Ser314delinsLysTer.
Molecular consequence: nonsense.
Genome position (GRCh38, 1-based): chrX:19,358,950-19,358,956, AGTAAGA duplicated; duplicating any 7 consecutive bases within chrX:19,358,941-19,358,956 gives the same sequence; the c. name uses the placement nearest the transcript's 3' end. VCF-style (leftmost placement, unchanged base first): chrX-19358940-G-GGAAGTAA. GRCh37 (hg19) VCF-style: chrX-19377058-G-GGAAGTAA.
Other names: c.1048_1054dup, p.Ser352delinsLysTer (NM_001173454.2); c.955_961dup, p.Ser321delinsLysTer (NM_001173455.2); c.841_847dup, p.Ser283delinsLysTer (NM_001173456.2).
Identifiers: ClinVar variation 1695286 (VCV001695286.31), dbSNP rs606231185, ClinGen allele CA2580615401.